The following is an entry in ClinVar:

ClinVar aggregate classification (germline): Uncertain significance. Review status: criteria provided, multiple submitters, no conflicts (2 of 4 stars). 3 submissions from 3 submitters: Uncertain significance (3). Last evaluated 2026-10-06.

Allele frequency attached by ClinVar (database versions not stated): ExAC 0.00002; gnomAD exomes 0.00002 and 0.00005; gnomAD 0.00003; TOPMed 0.00003.
gnomAD v4.1: 80 of 1,612,272 alleles (0.005%); highest among the groups gnomAD compares: Non-Finnish European, 0.0064%; no homozygotes.

Submissions (3):

GeneDx
Classification: Uncertain significance. Last evaluated: 2026-10-06. Review status: criteria provided, single submitter. Criteria: GeneDx Variant Classification Process June 2021. Collection method: clinical testing. Allele origin: germline.
Comment: In silico analysis supports that this missense variant has a deleterious effect on protein structure/function; Has not been previously published as pathogenic or benign to our knowledge

Labcorp Genetics (formerly Invitae), Labcorp
Classification: Uncertain significance. Last evaluated: 2025-09-08. Review status: criteria provided, single submitter. Criteria: Invitae Variant Classification Sherloc (09022015). Collection method: clinical testing. Allele origin: germline.
Comment: This sequence change replaces arginine, which is basic and polar, with histidine, which is basic and polar, at codon 458 of the MYH14 protein (p.Arg458His). This variant is present in population databases (rs757828611, gnomAD 0.004%). This variant has not been reported in the literature in individuals affected with MYH14-related conditions. ClinVar contains an entry for this variant (Variation ID: 932439). Invitae Evidence Modeling of protein sequence and biophysical properties (such as structural, functional, and spatial information, amino acid conservation, physicochemical variation, residue mobility, and thermodynamic stability) indicates that this missense variant is expected to disrupt MYH14 protein function with a positive predictive value of 80%. In summary, the available evidence is currently insufficient to determine the role of this variant in disease. Therefore, it has been classified as a Variant of Uncertain Significance.

CeGaT Center for Human Genetics Tuebingen
Classification: Uncertain significance. Last evaluated: 2024-02-01. Review status: criteria provided, single submitter. Criteria: CeGaT Center For Human Genetics Tuebingen Variant Classification Criteria Version 2. Collection method: clinical testing. Allele origin: germline. Affected: yes. Observed: 2 variant alleles.
Comment: MYH14: PP3

NM_001145809.2(MYH14):c.1397G>A (p.Arg466His)

Gene: MYH14 (myosin heavy chain 14; plus strand). Cytogenetic location: 19q13.33.
Variant type: single nucleotide variant.
Coding change: c.1397G>A on transcript NM_001145809.2 (MANE Select); coding-DNA position 1397, G replaced by A.
Protein change: p.Arg466His; replaces arginine 466 with histidine.
Molecular consequence: missense variant.
Genome position (GRCh38, 1-based): chr19:50,249,054, G>A. VCF-style: chr19-50249054-G-A. GRCh37 (hg19) VCF-style: chr19-50752311-G-A.
Other names: c.1373G>A (NM_024729.3); c.1397G>A, p.Arg466His (NM_001077186.2); c.1373G>A, p.Arg458His (NM_024729.4); short protein forms R458H, R466H.
Identifiers: ClinVar variation 932439 (VCV000932439.41), dbSNP rs757828611, ClinGen allele CA9592622.